The following is an entry in ClinVar:

NM_012434.5(SLC17A5):c.485_486insCAAGAGAGCAAAATAC (p.Pro163fs)

Gene: SLC17A5 (solute carrier family 17 member 5; minus strand). Cytogenetic location: 6q13.
Variant type: Insertion.
Coding change: c.485_486insCAAGAGAGCAAAATAC on transcript NM_012434.5 (MANE Select); coding-DNA positions 485 to 486, CAAGAGAGCAAAATAC inserted.
Protein change: p.Pro163fs; shifts the reading frame from proline 163.
Molecular consequence: frameshift variant.
Genome position: GRCh38 VCF-style: chr6-73641730-T-TGTATTTTGCTCTCTTG. GRCh37 (hg19) VCF-style: chr6-74351453-T-TGTATTTTGCTCTCTTG.
Other names: c.254_255insCAAGAGAGCAAAATAC, p.Pro86fs (NM_001382629.1, NM_001382636.1); c.485_486insCAAGAGAGCAAAATAC, p.Pro163fs (NM_001382630.1, NM_001382632.1, NM_001382633.1 and 2 more transcripts); c.506_507insCAAGAGAGCAAAATAC, p.Pro170fs (NM_001382631.1); short protein forms P163fs, P170fs, P86fs.
Identifiers: ClinVar variation 1725299 (VCV001725299.3), dbSNP rs2533510621, ClinGen allele CA2580075791.

ClinVar aggregate classification (germline): Likely pathogenic (1 of 4 stars; one submission).

Conditions:
Sialic acid storage disease, severe infantile type (ISSD). Also called: INFANTILE SIALIC ACID STORAGE DISORDER; N-ACETYLNEURAMINIC ACID STORAGE DISEASE; NANA STORAGE DISEASE; SIALURIA, INFANTILE FORM; Infantile Sialic Acid Storage Disease; Free sialic acid storage disease, infantile form. Identifiers: Orphanet 309324, Orphanet 834, MedGen C1096902, MONDO:0010027, OMIM 269920.

Submission:

Myriad Genetics, Inc.
Classification: Likely pathogenic for Sialic acid storage disease, severe infantile type. Last evaluated: 2022-03-15. Review status: criteria provided, single submitter. Criteria: Myriad Autosomal Dominant, Autosomal Recessive and X-Linked Classification Criteria (2023). Collection method: clinical testing. Allele origin: unknown.
Comment: NM_012434.4(SLC17A5):c.485_486ins16(P163Kfs*37) is expected to be pathogenic in the context of free sialic acid storage disorders. This variant is predicted to lead to an abnormal or absent protein product due to the creation of a premature termination codon in SLC17A5, a gene where loss-of-function variants are known to be pathogenic. Please note: this variant was assessed in the context of healthy population screening.